The following is an entry in ClinVar:

ClinVar aggregate classification (germline): Likely pathogenic (1 of 4 stars; one submission).

Conditions:
Adenosine kinase deficiency. Also called: Hypermethioninemia due to adenosine kinase deficiency; MENTAL RETARDATION, AUTOSOMAL RECESSIVE 8. Identifiers: Orphanet 289290, Orphanet 88616, MedGen C4706555, MONDO:0100255, OMIM 614300.

gnomAD v4.1: 53 of 1,549,502 alleles (0.0034%); highest among the groups gnomAD compares: Non-Finnish European, 0.0046%; no homozygotes.

Submission:

Greenwood Genetic Center Diagnostic Laboratories, Greenwood Genetic Center
Classification: Likely pathogenic for Adenosine kinase deficiency. Last evaluated: 2025-10-23. Review status: criteria provided, single submitter. Criteria: ACMG Guidelines, 2015. Collection method: clinical testing. Allele origin: germline. Affected: yes.
Comment: PVS1, PM2

NM_006721.4(ADK):c.64A>T (p.Arg22Ter)

Gene: ADK (adenosine kinase; plus strand). Cytogenetic location: 10q22.2.
Variant type: single nucleotide variant.
Coding change: c.64A>T on transcript NM_006721.4 (MANE Select); coding-DNA position 64, A replaced by T.
Protein change: p.Arg22Ter; replaces arginine 22 with a stop codon.
Molecular consequence: nonsense.
Genome position (GRCh38, 1-based): chr10:74,151,342, A>T. VCF-style: chr10-74151342-A-T. GRCh37 (hg19) VCF-style: chr10-75911100-A-T.
Other names: c.64A>T, p.Arg22Ter (NM_001202450.2, NM_001369123.1); short protein forms R22*.
Identifiers: ClinVar variation 4845594 (VCV004845594.1).
Genomic context (GRCh38, chr10:74,151,342, plus strand): 5'-GCAGCTGCTGAGGAGGAGCCGAAGCCCAAAAAGCTGAAGGTGGAGGCGCCGCAAGCGCTG[A>T]GGTGAGCGCTGCCGGACTTGGGGAGGAGGGTGACGGCGCTGCAAGCAAGCCAGGGCCCAC-3'